The following is an entry in ClinVar:

NC_012920.1(MT-ATP8):m.8572G>A

Genes: MT-ATP8 (mitochondrially encoded ATP synthase 8; plus strand), MT-ATP6 (mitochondrially encoded ATP synthase 6; plus strand).
Variant type: single nucleotide variant.
Genome position: chrM-8572-G-A.
Identifiers: ClinVar variation 692907 (VCV000692907.3), dbSNP rs28502681, ClinGen allele CA337097930.

ClinVar aggregate classification (germline): Benign/Likely benign. Review status: criteria provided, multiple submitters, no conflicts (2 of 4 stars). 3 submissions from 3 submitters: Benign (1); Likely benign (2). Last evaluated 2025-02-16.

Conditions:
Leigh syndrome (NULS). Also called: Leigh's necrotizing encephalopathy; Leigh's disease; Leigh Syndrome (mtDNA deletion); Leigh Disease; Subacute necrotizing encephalopathy; Necrotizing encephalopathy infantile subacute of Leigh. Identifiers: Orphanet 506, MedGen C2931891, MONDO:0009723, OMIM 256000.

Submissions (3):

Laboratory of Genetics, Children's Clinical University Hospital Latvia
Classification: Likely benign. Last evaluated: 2025-02-16. Review status: criteria provided, single submitter. Criteria: ACMG Guidelines, 2015. Collection method: clinical testing. Allele origin: germline. Affected: yes.

Clinical Genetics Laboratory, Skane University Hospital Lund
Classification: Likely benign. Last evaluated: 2022-05-27. Review status: criteria provided, single submitter. Criteria: ACMG Guidelines, 2015. Collection method: clinical testing. Allele origin: germline. Affected: yes.

Wong Mito Lab, Molecular and Human Genetics, Baylor College of Medicine
Classification: Benign for Leigh syndrome. Last evaluated: 2019-10-17. Review status: criteria provided, single submitter. Criteria: Modified ACMG Guidelines (Unpublished). Collection method: clinical testing. Allele origin: germline.
Comment: The NC_012920.1:m.8572G>A (YP_003024031.1:p.Gly16Ser) variant in MTATP6 gene is interpretated to be a Benign variant based on the modified ACMG guidelines (unpublished). This variant meets the following evidence codes: BS1, BS2